The following is an entry in ClinVar:

NM_020461.4(TUBGCP6):c.4944C>T (p.Leu1648=)

Gene: TUBGCP6 (tubulin gamma complex component 6; minus strand). Cytogenetic location: 22q13.33.
Variant type: single nucleotide variant.
Coding change: c.4944C>T on transcript NM_020461.4 (MANE Select); coding-DNA position 4944, C replaced by T.
Protein change: p.Leu1648=; no amino-acid change (leucine 1648 retained).
Molecular consequence: synonymous variant.
Genome position (GRCh38, 1-based): chr22:50,218,498, G>A on the plus strand (C>T on the coding strand, the complement: TUBGCP6 is on the minus strand). VCF-style: chr22-50218498-G-A. GRCh37 (hg19) VCF-style: chr22-50656927-G-A.
Identifiers: ClinVar variation 737680 (VCV000737680.12), dbSNP rs762800400, ClinGen allele CA10307269.

ClinVar aggregate classification (germline): Likely benign. Review status: criteria provided, single submitter (1 of 4 stars). 2 submissions from 2 submitters: Likely benign (1). 1 of the submissions does not count toward it. Last evaluated 2025-10-06.

Conditions:
TUBGCP6-related disorder. Also called: TUBGCP6-related condition.

Allele frequency attached by ClinVar (database versions not stated): gnomAD 0.00002; TOPMed 0.00002.

Submissions (2):

Labcorp Genetics (formerly Invitae), Labcorp
Classification: Likely benign. Last evaluated: 2025-10-06. Review status: criteria provided, single submitter. Criteria: Invitae Variant Classification Sherloc (09022015). Collection method: clinical testing. Allele origin: germline.

PreventionGenetics, part of Exact Sciences
Classification: Likely benign for TUBGCP6-related condition. Last evaluated: 2019-06-21. Review status: no assertion criteria provided. Collection method: clinical testing. Allele origin: germline. Not counted in ClinVar's aggregate classification.
Comment: This variant is classified as likely benign based on ACMG/AMP sequence variant interpretation guidelines (Richards et al. 2015 PMID: 25741868, with internal and published modifications).